The following is an entry in ClinVar:

NM_000090.4(COL3A1):c.2414C>T (p.Pro805Leu)

Genes: COL3A1 (collagen type III alpha 1 chain; plus strand), LOC126806446 (P300/CBP strongly-dependent group 1 enhancer GRCh37_chr2:189866210-189867409; plus strand). Cytogenetic location: 2q32.2.
Variant type: single nucleotide variant.
Coding change: c.2414C>T on transcript NM_000090.4 (MANE Select); coding-DNA position 2414, C replaced by T.
Protein change: p.Pro805Leu; replaces proline 805 with leucine.
Molecular consequence: missense variant.
Genome position (GRCh38, 1-based): chr2:189,002,320, C>T. VCF-style: chr2-189002320-C-T. GRCh37 (hg19) VCF-style: chr2-189867046-C-T.
Other names: short protein forms P805L.
Identifiers: ClinVar variation 3375592 (VCV003375592.1).
Genomic context (GRCh38, chr2:189,002,320, plus strand): 5'-CACTTCACTGTGACTAAGGAGGATATTTTTCTCTTCAGGGTGAGAGAGGTGAAACTGGCC[C>T]TCCAGGACCTGCTGGTTTCCCTGGTGCTCCTGTAAGTGTGAATATTTATACATACATGTC-3'
Protein context (NP_000081.2, residues 795-815): GSPGERGETG[Pro805Leu]PGPAGFPGAP

ClinVar aggregate classification (germline): Uncertain significance (1 of 4 stars; one submission).

gnomAD v4.1: 1 of 1,614,030 alleles (0.000062%); highest among the groups gnomAD compares: Non-Finnish European, 0.000085%; no homozygotes.

Submission:

GeneDx
Classification: Uncertain significance. Last evaluated: 2024-05-10. Review status: criteria provided, single submitter. Criteria: GeneDx Variant Classification Process June 2021. Collection method: clinical testing. Allele origin: germline. Affected: yes.
Comment: Not observed at significant frequency in large population cohorts (gnomAD); In silico analysis supports that this missense variant has a deleterious effect on protein structure/function; Has not been previously published as pathogenic or benign to our knowledge